The following is an entry in ClinVar:

NM_000455.5(STK11):c.903G>T (p.Arg301=)

Gene: STK11 (serine/threonine kinase 11; plus strand). Cytogenetic location: 19p13.3.
Variant type: single nucleotide variant.
Coding change: c.903G>T on transcript NM_000455.5 (MANE Select); coding-DNA position 903, G replaced by T.
Protein change: p.Arg301=; no amino-acid change (arginine 301 retained).
Molecular consequence: synonymous variant. On other transcripts: non-coding transcript variant (1).
Genome position (GRCh38, 1-based): chr19:1,221,989, G>T. VCF-style: chr19-1221989-G-T. GRCh37 (hg19) VCF-style: chr19-1221988-G-T.
Other names: c.903G>T, p.Arg301= (NM_001407255.1).
Identifiers: ClinVar variation 3903938 (VCV003903938.1).

ClinVar aggregate classification (germline): Benign (1 of 4 stars; one submission).

Conditions:
Peutz-Jeghers syndrome (PJS). Also called: POLYPOSIS, HAMARTOMATOUS INTESTINAL; POLYPS-AND-SPOTS SYNDROME; Peutz-Jeghers polyposis; Periorificial lentiginosis syndrome. Identifiers: Orphanet 2869, MedGen C0031269, MeSH D010580, MONDO:0008280, OMIM 175200.

Submission:

Myriad Genetics, Inc.
Classification: Benign for Peutz-Jeghers syndrome. Last evaluated: 2025-03-27. Review status: criteria provided, single submitter. Criteria: Myriad Autosomal Dominant, Autosomal Recessive and X-Linked Classification Criteria (2023). Collection method: clinical testing. Allele origin: unknown.
Comment: This variant is considered benign. This variant is a silent/synonymous amino acid change and it is not expected to impact splicing.